The following is an entry in ClinVar:

NM_001171.6(ABCC6):c.3044G>T (p.Arg1015Leu)

Gene: ABCC6 (ATP binding cassette subfamily C member 6; minus strand). Cytogenetic location: 16p13.11.
Variant type: single nucleotide variant.
Coding change: c.3044G>T on transcript NM_001171.6 (MANE Select); coding-DNA position 3044, G replaced by T.
Protein change: p.Arg1015Leu; replaces arginine 1015 with leucine.
Molecular consequence: missense variant. On other transcripts: non-coding transcript variant (4).
Genome position (GRCh38, 1-based): chr16:16,165,885, C>A on the plus strand (G>T on the coding strand, the complement: ABCC6 is on the minus strand). VCF-style: chr16-16165885-C-A. GRCh37 (hg19) VCF-style: chr16-16259742-C-A.
Other names: c.2702G>T, p.Arg901Leu (NM_001351800.1); c.3011G>T, p.Arg1004Leu (NM_001440309.1); c.2876G>T, p.Arg959Leu (NM_001440310.1); short protein forms R1015L, R901L, R1004L, R959L.
Identifiers: ClinVar variation 4745982 (VCV004745982.1).
Genomic context (GRCh38, chr16:16,165,885, plus strand): 5'-AAGCTGATGGGAGATCGCACCACATCCCACAGGAGCCTCTGGAAGAGCAACCTGGATGCC[C>A]GGGCCCCACCTAGGAGCACCGCAGCCATGGAGGCAAACAGCCCAATGGCTGGGGAGGGAG-3'
Protein context (NP_001162.5, residues 1005-1025): SMAAVLLGGA[Arg1015Leu]ASRLLFQRLL

ClinVar aggregate classification (germline): Uncertain significance (1 of 4 stars; one submission).

Submission:

Labcorp Genetics (formerly Invitae), Labcorp
Classification: Uncertain significance. Last evaluated: 2025-04-08. Review status: criteria provided, single submitter. Criteria: Invitae Variant Classification Sherloc (09022015). Collection method: clinical testing. Allele origin: germline.
Comment: This sequence change replaces arginine, which is basic and polar, with leucine, which is neutral and non-polar, at codon 1015 of the ABCC6 protein (p.Arg1015Leu). This variant is not present in population databases (gnomAD no frequency). This variant has not been reported in the literature in individuals affected with ABCC6-related conditions. Invitae Evidence Modeling of protein sequence and biophysical properties (such as structural, functional, and spatial information, amino acid conservation, physicochemical variation, residue mobility, and thermodynamic stability) has been performed for this missense variant. However, the output from this modeling did not meet the statistical confidence thresholds required to predict the impact of this variant on ABCC6 protein function. In summary, the available evidence is currently insufficient to determine the role of this variant in disease. Therefore, it has been classified as a Variant of Uncertain Significance.